The following is an entry in ClinVar:

NM_001430.5(EPAS1):c.1589C>A (p.Ala530Glu)

Gene: EPAS1 (endothelial PAS domain protein 1; plus strand). Cytogenetic location: 2p21.
Variant type: single nucleotide variant.
Coding change: c.1589C>A on transcript NM_001430.5 (MANE Select); coding-DNA position 1589, C replaced by A.
Protein change: p.Ala530Glu; replaces alanine 530 with glutamic acid.
Molecular consequence: missense variant.
Genome position (GRCh38, 1-based): chr2:46,380,261, C>A. VCF-style: chr2-46380261-C-A. GRCh37 (hg19) VCF-style: chr2-46607400-C-A.
Other names: short protein forms A530E.
Identifiers: ClinVar variation 4776612 (VCV004776612.1).

ClinVar aggregate classification (germline): Uncertain significance (1 of 4 stars; one submission).

Submission:

Labcorp Genetics (formerly Invitae), Labcorp
Classification: Uncertain significance. Last evaluated: 2025-12-22. Review status: criteria provided, single submitter. Criteria: Invitae Variant Classification Sherloc (09022015). Collection method: clinical testing. Allele origin: germline.
Comment: This sequence change replaces alanine, which is neutral and non-polar, with glutamic acid, which is acidic and polar, at codon 530 of the EPAS1 protein (p.Ala530Glu). This variant is not present in population databases (gnomAD no frequency). This variant has not been reported in the literature in individuals affected with EPAS1-related conditions. An algorithm developed to predict the effect of missense changes on protein structure and function (PolyPhen-2) suggests that this variant is likely to be disruptive. In summary, the available evidence is currently insufficient to determine the role of this variant in disease. Therefore, it has been classified as a Variant of Uncertain Significance.